The following is an entry in ClinVar:

NM_001943.5(DSG2):c.1912G>A (p.Gly638Arg)

Gene: DSG2 (desmoglein 2; plus strand). Cytogenetic location: 18q12.1.
Variant type: single nucleotide variant.
Coding change: c.1912G>A on transcript NM_001943.5 (MANE Select); coding-DNA position 1912, G replaced by A.
Protein change: p.Gly638Arg; replaces glycine 638 with arginine.
Molecular consequence: missense variant.
Genome position (GRCh38, 1-based): chr18:31,541,225, G>A. VCF-style: chr18-31541225-G-A. GRCh37 (hg19) VCF-style: chr18-29121188-G-A.
Other names: p.G638R:GGA>AGA; short protein forms G638R.
Identifiers: ClinVar variation 161224 (VCV000161224.39), dbSNP rs201564919, ClinGen allele CA021624.

ClinVar aggregate classification (germline): Conflicting classifications of pathogenicity. Review status: criteria provided, conflicting classifications (1 of 4 stars). 15 submissions from 15 submitters: Uncertain significance (6); Likely benign (3). 6 of the submissions do not count toward it. Last evaluated 2025-01-07.

Conditions:
Cardiovascular phenotype. Identifiers: MedGen CN230736.
Dilated cardiomyopathy 1BB (CMD1BB). Also called: CARDIOMYOPATHY, DILATED, 1BB, SUSCEPTIBILITY TO. Identifiers: Orphanet 154, MedGen C2752072, MONDO:0013030, OMIM 612877.
Arrhythmogenic right ventricular dysplasia 10. Also called: Arrhythmogenic Right Ventricular Dysplasia/Cardiomyopathy10; Arrhythmogenic right ventricular dysplasia/cardiomyopathy, type 10; ARRHYTHMOGENIC RIGHT VENTRICULAR DYSPLASIA, FAMILIAL, 10. Identifiers: MedGen C1857777, MONDO:0012434, OMIM 610193.
Cardiomyopathy (CMYO). Also called: Cardiomyopathies. Identifiers: Orphanet 167848, MedGen C0878544, MONDO:0004994, HP:0001638. Inheritance: Various modes of inheritance.
Arrhythmogenic right ventricular cardiomyopathy (ARVD). Also called: Cardiomyopathy, ARVC; Arrhythmogenic right ventricular dysplasia; Arrhythmogenic cardiomyopathy; Arrhythmogenic Right Ventricular Cardiomyopathy (ARVC). Identifiers: Orphanet 247, MedGen C0349788, MeSH D019571, MONDO:0016587. Disease mechanism: loss of function. Inheritance: Various modes of inheritance.

Allele frequency attached by ClinVar (database versions not stated): TOPMed 0.00011; ExAC 0.00012; gnomAD 0.00013 and 0.00016; gnomAD exomes 0.00013 and 0.00016; ESP Exome Variant Server 0.00017.
gnomAD v4.1: 255 of 1,614,020 alleles (0.016%); highest among the groups gnomAD compares: Non-Finnish European, 0.019%; 1 homozygote.

Submissions (16):

Labcorp Genetics (formerly Invitae), Labcorp
Classification: Uncertain significance for Arrhythmogenic right ventricular dysplasia 10. Last evaluated: 2025-01-07. Review status: criteria provided, single submitter. Criteria: Invitae Variant Classification Sherloc (09022015). Collection method: clinical testing. Allele origin: germline.
Comment: This sequence change replaces glycine, which is neutral and non-polar, with arginine, which is basic and polar, at codon 638 of the DSG2 protein (p.Gly638Arg). This variant is present in population databases (rs201564919, gnomAD 0.02%). This missense change has been observed in individual(s) with clinical features of DSG2-related conditions (PMID: 20197793, 26220970, 27930701, 29566126, 35819174). ClinVar contains an entry for this variant (Variation ID: 161224). Invitae Evidence Modeling of protein sequence and biophysical properties (such as structural, functional, and spatial information, amino acid conservation, physicochemical variation, residue mobility, and thermodynamic stability) indicates that this missense variant is not expected to disrupt DSG2 protein function with a negative predictive value of 95%. In summary, the available evidence is currently insufficient to determine the role of this variant in disease. Therefore, it has been classified as a Variant of Uncertain Significance.

Blueprint Genetics
Classification: Likely benign. Last evaluated: 2024-11-23. Review status: criteria provided, single submitter. Criteria: ACMG Guidelines, 2015. Collection method: clinical testing. Allele origin: germline.

Color Diagnostics, LLC DBA Color Health
Classification: Likely benign for Cardiomyopathy. Last evaluated: 2024-02-23. Review status: criteria provided, single submitter. Criteria: ACMG Guidelines, 2015. Collection method: clinical testing. Allele origin: germline.

All of Us Research Program, National Institutes of Health
Classification: Uncertain significance for Arrhythmogenic right ventricular cardiomyopathy. Last evaluated: 2023-12-18. Review status: criteria provided, single submitter. Criteria: ACMG Guidelines, 2015. Collection method: clinical testing. Allele origin: germline. Inheritance: Autosomal dominant inheritance. Observed: 44 variant alleles, 44 heterozygotes.
Comment: This missense variant replaces glycine with arginine at codon 638 of the DSG2 protein. Computational prediction suggests that this variant may not impact protein structure and function (internally defined REVEL score threshold <= 0.5, PMID: 27666373). This variant was reported in one individual affected with arrhythmogenic right ventricular cardiomyopathy and in three unaffected individuals from a family (PMID: 20197793) and an individual affected with sudden death (PMID: 27930701). It has been shown that this variant segregates with disease in four related individuals affected with arrhythmogenic right ventricular cardiomyopathy (PMID: 29566126). Cardiomyocytes from one of these heterozygous carriers have shown ion channel dysfunctions and abnormal cellular electrophysiology as well as enhanced sensitivity to adrenergic stimulation (PMID: 29566126). This variant has also been identified in 33/280710 chromosomes in the general population by the Genome Aggregation Database (gnomAD). The available evidence is insufficient to determine the role of this variant in disease conclusively. Therefore, this variant is classified as a Variant of Uncertain Significance.

This study involves interpretation of variants in research participants for the purpose of population health screening. Participant phenotype was not available at the time of variant classification. Additional details can be found in publication PMID: 35346344, PMCID: PMC8962531

GeneDx
Classification: Uncertain significance. Last evaluated: 2022-10-21. Review status: criteria provided, single submitter. Criteria: GeneDx Variant Classification Process June 2021. Collection method: clinical testing. Allele origin: germline. Affected: yes.
Comment: Reported in conjunction with additional cardiogenetic variants in individuals with ARVC or sudden death (De Bortoli et al., 2010; Bauce et al., 2011; Rigato et al., 2013; Sanchez et al., 2016; El-Battrawy et al., 2018); Identified in a patient with Brugada syndrome in published literature (Di Resta et al., 2015); Identified independently and in conjunction with additional variants in individuals referred for cardiac genetic testing at GeneDx; segregation data is limited at this time; In silico analysis supports that this missense variant has a deleterious effect on protein structure/function; This variant is associated with the following publications: (PMID: 25637381, 24070718, 23299917, 21723241, 27930701, 29566126, 33803477, 34300226, 32050722, 20197793, 31402444, 26220970)

Ambry Genetics
Classification: Likely benign for Cardiovascular phenotype. Last evaluated: 2022-01-05. Review status: criteria provided, single submitter. Criteria: Ambry Variant Classification Scheme 2023. Collection method: clinical testing. Allele origin: germline.

Fulgent Genetics
Classification: Uncertain significance for Arrhythmogenic right ventricular dysplasia 10; Dilated cardiomyopathy 1BB. Last evaluated: 2021-08-27. Review status: criteria provided, single submitter. Criteria: ACMG Guidelines, 2015. Collection method: clinical testing. Allele origin: unknown.

CHEO Genetics Diagnostic Laboratory, Children's Hospital of Eastern Ontario
Classification: Uncertain significance for Cardiomyopathy. Last evaluated: 2019-05-15. Review status: criteria provided, single submitter. Criteria: ACMG Guidelines, 2015. Collection method: clinical testing. Allele origin: germline.

Laboratory for Molecular Medicine, Mass General Brigham Personalized Medicine
Classification: Uncertain significance. Last evaluated: 2016-11-07. Review status: criteria provided, single submitter. Criteria: LMM Criteria. Collection method: clinical testing. Allele origin: germline. Observed: 2 variant alleles.
Comment: Although the variant segregated with disease in one affected sibling, it was also identified in 2 apparently unaffected older siblings (De Bo rtoli 2010, Rigato 2013). This variant has been identified in 14/66666 European chromosomes by the Exome Aggregation Consortium (ExAC; dbSNP rs201564919). Computational prediction tools and conservation analy sis suggest that the p.Gly638Arg variant may impact the protein, though this inf ormation is not predictive enough to determine pathogenicity. In summary, the cl inical significance of the p.Gly638Arg variant is uncertain.

CSER _CC_NCGL, University of Washington
Classification: Uncertain significance for Cardiomyopathy, arrhythmogenic right ventricular. Last evaluated: 2014-06-01. Review status: no assertion criteria provided. Collection method: research. Allele origin: germline. Inheritance: Autosomal dominant inheritance. Study: ESP 6500 variant annotation. Not counted in ClinVar's aggregate classification.
Comment: Variants classified for the Actionable exomic incidental findings in 6503 participants: challenges of variant classification manuscript

Clinical Genetics DNA and cytogenetics Diagnostics Lab, Erasmus MC, Erasmus Medical Center
Classification: Uncertain significance. Review status: no assertion criteria provided. Collection method: clinical testing. Allele origin: germline. Affected: yes. Study: VKGL Data-share Consensus. Not counted in ClinVar's aggregate classification.

Clinical Genetics, Academic Medical Center
Classification: Uncertain significance. Review status: no assertion criteria provided. Collection method: clinical testing. Allele origin: germline. Affected: yes. Study: VKGL Data-share Consensus. Not counted in ClinVar's aggregate classification.

Diagnostic Laboratory, Department of Genetics, University Medical Center Groningen
Classification: Uncertain significance. Review status: no assertion criteria provided. Collection method: clinical testing. Allele origin: germline. Affected: yes. Study: VKGL Data-share Consensus. Not counted in ClinVar's aggregate classification.

Dr. Peter K. Rogan Lab, Western University
No classification provided (evidence only). Condition: Thyroid cancer, nonmedullary, 1. Review status: no classification provided. Collection method: in vitro. Allele origin: not applicable. Functional consequence: retained intron. Not counted in ClinVar's aggregate classification.

Genome Diagnostics Laboratory, University Medical Center Utrecht
Classification: Uncertain significance. Review status: no assertion criteria provided. Collection method: clinical testing. Allele origin: germline. Affected: yes. Study: VKGL Data-share Consensus. Not counted in ClinVar's aggregate classification.

Joint Genome Diagnostic Labs from Nijmegen and Maastricht, Radboudumc and MUMC+
Classification: Uncertain significance. Review status: no assertion criteria provided. Collection method: clinical testing. Allele origin: germline. Affected: yes. Study: VKGL Data-share Consensus. Not counted in ClinVar's aggregate classification.

Literature cited by the submitters: PubMed 20197793 (cited by 4 submitters); PubMed 26220970 (cited by Labcorp Genetics (formerly Invitae), Labcorp and Ambry Genetics); PubMed 27930701 (cited by 3 submitters); PubMed 29566126 (cited by Labcorp Genetics (formerly Invitae), Labcorp and All of Us Research Program, National Institutes of Health); PubMed 35819174 (cited by Labcorp Genetics (formerly Invitae), Labcorp); PubMed 23299917 (cited by Ambry Genetics and Laboratory for Molecular Medicine, Mass General Brigham Personalized Medicine); PubMed 25637381 (cited by Ambry Genetics); PubMed 24070718 (cited by Laboratory for Molecular Medicine, Mass General Brigham Personalized Medicine).